The following is an entry in ClinVar:

ClinVar aggregate classification (germline): Uncertain significance (1 of 4 stars; one submission).

Conditions:
Familial cancer of breast. Also called: hereditary breast carcinoma; BREAST CANCER, FAMILIAL; Hereditary breast cancer. Identifiers: Orphanet 227535, MedGen C0346153, MONDO:0016419, OMIM 114480. Disease mechanism: loss of function.
Fanconi anemia complementation group J. Also called: BRIP1-Related Fanconi Anemia. Identifiers: Orphanet 84, MedGen C1836860, MONDO:0012187, OMIM 609054.

Allele frequency attached by ClinVar (database versions not stated): gnomAD exomes below 0.00001.
gnomAD v4.1: 2 of 1,613,646 alleles (0.00012%); highest among the groups gnomAD compares: South Asian, 0.0011%; no homozygotes.

Submission:

Labcorp Genetics (formerly Invitae), Labcorp
Classification: Uncertain significance for Familial cancer of breast; Fanconi anemia complementation group J. Last evaluated: 2025-07-31. Review status: criteria provided, single submitter. Criteria: Invitae Variant Classification Sherloc (09022015). Collection method: clinical testing. Allele origin: germline.
Comment: This sequence change replaces valine, which is neutral and non-polar, with isoleucine, which is neutral and non-polar, at codon 180 of the BRIP1 protein (p.Val180Ile). This variant is not present in population databases (gnomAD no frequency). This variant has not been reported in the literature in individuals affected with BRIP1-related conditions. ClinVar contains an entry for this variant (Variation ID: 649271). Invitae Evidence Modeling of protein sequence and biophysical properties (such as structural, functional, and spatial information, amino acid conservation, physicochemical variation, residue mobility, and thermodynamic stability) indicates that this missense variant is not expected to disrupt BRIP1 protein function with a negative predictive value of 95%. In summary, the available evidence is currently insufficient to determine the role of this variant in disease. Therefore, it has been classified as a Variant of Uncertain Significance.

NM_032043.3(BRIP1):c.538G>A (p.Val180Ile)

Gene: BRIP1 (BRCA1 interacting DNA helicase 1; minus strand). Cytogenetic location: 17q23.2.
Variant type: single nucleotide variant.
Coding change: c.538G>A on transcript NM_032043.3 (MANE Select); coding-DNA position 538, G replaced by A.
Protein change: p.Val180Ile; replaces valine 180 with isoleucine.
Molecular consequence: missense variant.
Genome position (GRCh38, 1-based): chr17:61,847,190, C>T on the plus strand (G>A on the coding strand, the complement: BRIP1 is on the minus strand). VCF-style: chr17-61847190-C-T. GRCh37 (hg19) VCF-style: chr17-59924551-C-T.
Other names: short protein forms V180I.
Identifiers: ClinVar variation 649271 (VCV000649271.9), dbSNP rs1603361670, ClinGen allele CA400483240.